The following is an entry in ClinVar:

ClinVar aggregate classification (germline): Likely benign. Review status: criteria provided, multiple submitters, no conflicts (2 of 4 stars). 2 submissions from 2 submitters: Likely benign (2). Last evaluated 2026-06-15.

Conditions:
Hermansky-Pudlak syndrome 2 (HPS2). Also called: Platelet defects and oculocutaneous albinism. Identifiers: Orphanet 183678, Orphanet 79430, MedGen C1842362, MONDO:0011997, OMIM 608233.

gnomAD v4.1: 28 of 1,583,060 alleles (0.0018%); highest among the groups gnomAD compares: Non-Finnish European, 0.0024%; no homozygotes.

Submissions (2):

Women's Health and Genetics/Laboratory Corporation of America, LabCorp
Classification: Likely benign. Last evaluated: 2026-06-15. Review status: criteria provided, single submitter. Criteria: LabCorp Variant Classification Summary - May 2015. Collection method: clinical testing. Allele origin: germline.
Comment: Variant summary: AP3B1 c.1969-15T>C alters a nucleotide located at a position not widely known to affect splicing. Consensus agreement among computation tools predict no significant impact on normal splicing. However, these predictions have yet to be confirmed by functional studies. The variant allele was found at a frequency of 8e-06 in 249986 control chromosomes. The available data on variant occurrences in the general population are insufficient to allow any conclusion about variant significance. To our knowledge, no occurrence of c.1969-15T>C in individuals affected with AP3B1-related conditions and no experimental evidence demonstrating its impact on protein function have been reported. ClinVar contains an entry for this variant (Variation ID: 3702949). Based on the evidence outlined above, the variant was classified as likely benign.

Labcorp Genetics (formerly Invitae), Labcorp
Classification: Likely benign for Hermansky-Pudlak syndrome 2. Last evaluated: 2025-12-30. Review status: criteria provided, single submitter. Criteria: Invitae Variant Classification Sherloc (09022015). Collection method: clinical testing. Allele origin: germline.

NM_003664.5(AP3B1):c.1969-15T>C

Gene: AP3B1 (adaptor related protein complex 3 subunit beta 1; minus strand). Cytogenetic location: 5q14.1.
Variant type: single nucleotide variant.
Coding change: c.1969-15T>C on transcript NM_003664.5 (MANE Select); 15 bases into the intron before coding-DNA position 1969, T replaced by C.
Molecular consequence: intron variant.
Genome position (GRCh38, 1-based): chr5:78,116,249, A>G on the plus strand (T>C on the coding strand, the complement: AP3B1 is on the minus strand). VCF-style: chr5-78116249-A-G. GRCh37 (hg19) VCF-style: chr5-77412073-A-G.
Other names: c.1822-15T>C (NM_001271769.2); c.1969-15T>C (NM_001410752.1).
Identifiers: ClinVar variation 3702949 (VCV003702949.3).
Genomic context (GRCh38, chr5:78,116,249, plus strand): 5'-CAGAATTCTCTTGCTTTGCTTTTCCTGCTGGGGTCCATTCTTTTGCCTGTTTAAACAAAT[A>G]AAGTAAATATAAATGAATTCTCATTCAGAGATTTAGAGTTCTGGCAAACTTAATCATTAA-3'